The following is an entry in ClinVar:

NM_001379270.1(CNGA1):c.288-3T>C

Genes: CNGA1 (cyclic nucleotide gated channel subunit alpha 1; minus strand), LOC101927157 (uncharacterized LOC101927157; plus strand). Cytogenetic location: 4p12.
Variant type: single nucleotide variant.
Coding change: c.288-3T>C on transcript NM_001379270.1 (MANE Select); 3 bases into the intron before coding-DNA position 288, T replaced by C.
Molecular consequence: intron variant.
Genome position (GRCh38, 1-based): chr4:47,943,415, A>G on the plus strand (T>C on the coding strand, the complement: CNGA1 is on the minus strand). VCF-style: chr4-47943415-A-G. GRCh37 (hg19) VCF-style: chr4-47945432-A-G.
Other names: c.288-3T>C (NM_000087.5, NM_001142564.2).
Identifiers: ClinVar variation 2009382 (VCV002009382.4), dbSNP rs2475784232, ClinGen allele CA2578081652.

ClinVar aggregate classification (germline): Uncertain significance (1 of 4 stars; one submission).

Submission:

Labcorp Genetics (formerly Invitae), Labcorp
Classification: Uncertain significance. Last evaluated: 2021-11-27. Review status: criteria provided, single submitter. Criteria: Invitae Variant Classification Sherloc (09022015). Collection method: clinical testing. Allele origin: germline.
Comment: This sequence change falls in intron 6 of the CNGA1 gene. It does not directly change the encoded amino acid sequence of the CNGA1 protein. It affects a nucleotide within the consensus splice site. This variant is not present in population databases (gnomAD no frequency). This variant has not been reported in the literature in individuals affected with CNGA1-related conditions. Variants that disrupt the consensus splice site are a relatively common cause of aberrant splicing (PMID: 17576681, 9536098). Algorithms developed to predict the effect of sequence changes on RNA splicing suggest that this variant is not likely to affect RNA splicing. In summary, the available evidence is currently insufficient to determine the role of this variant in disease. Therefore, it has been classified as a Variant of Uncertain Significance.

Literature cited by the submitters: PubMed 17576681; PubMed 9536098.